The following is an entry in ClinVar:

NM_001190787.3(MCIDAS):c.1001C>G (p.Ala334Gly)

Gene: MCIDAS (multiciliate differentiation and DNA synthesis associated cell cycle protein; minus strand). Cytogenetic location: 5q11.2.
Variant type: single nucleotide variant.
Coding change: c.1001C>G on transcript NM_001190787.3 (MANE Select); coding-DNA position 1001, C replaced by G.
Protein change: p.Ala334Gly; replaces alanine 334 with glycine.
Molecular consequence: missense variant.
Genome position (GRCh38, 1-based): chr5:55,220,523, G>C on the plus strand (C>G on the coding strand, the complement: MCIDAS is on the minus strand). VCF-style: chr5-55220523-G-C. GRCh37 (hg19) VCF-style: chr5-54516351-G-C.
Other names: short protein forms A334G.
Identifiers: ClinVar variation 1035479 (VCV001035479.17), dbSNP rs1745333319, ClinGen allele CA359730809.

ClinVar aggregate classification (germline): Uncertain significance (1 of 4 stars; one submission).

Conditions:
Primary ciliary dyskinesia. Also called: Ciliary dyskinesia. Identifiers: Orphanet 244, MedGen C0008780, MONDO:0016575, HP:0012265.

Allele frequency attached by ClinVar (database versions not stated): gnomAD exomes below 0.00001.
gnomAD v4.1: 1 of 1,536,090 alleles (0.000065%); highest among the groups gnomAD compares: Non-Finnish European, 0.000087%; no homozygotes.

Submission:

Labcorp Genetics (formerly Invitae), Labcorp
Classification: Uncertain significance for Primary ciliary dyskinesia. Last evaluated: 2020-01-15. Review status: criteria provided, single submitter. Criteria: Invitae Variant Classification Sherloc (09022015). Collection method: clinical testing. Allele origin: germline.
Comment: In summary, the available evidence is currently insufficient to determine the role of this variant in disease. Therefore, it has been classified as a Variant of Uncertain Significance. Algorithms developed to predict the effect of missense changes on protein structure and function (SIFT, PolyPhen-2, Align-GVGD) all suggest that this variant is likely to be tolerated, but these predictions have not been confirmed by published functional studies and their clinical significance is uncertain. This variant has not been reported in the literature in individuals with MCIDAS-related conditions. The frequency data for this variant in the population databases is considered unreliable, as metrics indicate insufficient coverage at this position in the ExAC database. This sequence change replaces alanine with glycine at codon 334 of the MCIDAS protein (p.Ala334Gly). The alanine residue is moderately conserved and there is a small physicochemical difference between alanine and glycine.